The following is an entry in ClinVar:

ClinVar aggregate classification (germline): Likely pathogenic. Review status: criteria provided, multiple submitters, no conflicts (2 of 4 stars). 2 submissions from 2 submitters: Likely pathogenic (2). Last evaluated 2023-07-13.

Conditions:
MRAP-related disorder. Also called: MRAP-related condition.

Submissions (2):

PreventionGenetics, part of Exact Sciences
Classification: Likely pathogenic for MRAP-related condition. Last evaluated: 2023-07-13. Review status: criteria provided, single submitter. Criteria: ACMG Guidelines, 2015. Collection method: clinical testing. Allele origin: germline.
Comment: The MRAP c.206+5G>T variant is predicted to interfere with splicing. To our knowledge, this variant has not been reported in the literature or in a large population database, indicating this variant is rare. This variant is interpreted as likely pathogenic.

GeneDx
Classification: Likely pathogenic. Last evaluated: 2017-02-20. Review status: criteria provided, single submitter. Criteria: GeneDx Variant Classification (06012015). Collection method: clinical testing. Allele origin: germline. Affected: yes.
Comment: The c.206+5G>T variant in the MRAP gene has not been reported previously as a pathogenic variant nor as a benign variant, to our knowledge. This variant is predicted to destroy the natural splice donor site in intron 4, and is expected to cause abnormal gene splicing. The c.206+5G>T variant is not observed in large population cohorts (Lek et al., 2016; 1000 Genomes Consortium et al., 2015; Exome Variant Server). We interpret c.206+5G>T as a likely pathogenic variant.

NM_001379228.1(MRAP):c.206+5G>T

Genes: MRAP (melanocortin 2 receptor accessory protein; plus strand), MRAP-AS1 (MRAP antisense RNA 1; minus strand), LOC125418060 (Sharpr-MPRA regulatory region 333; plus strand). Cytogenetic location: 21q22.11.
Variant type: single nucleotide variant.
Coding change: c.206+5G>T on transcript NM_001379228.1 (MANE Select); 5 bases into the intron after coding-DNA position 206, G replaced by T.
Molecular consequence: intron variant.
Genome position (GRCh38, 1-based): chr21:32,306,744, G>T. VCF-style: chr21-32306744-G-T. GRCh37 (hg19) VCF-style: chr21-33679055-G-T.
Other names: c.206+5G>T (NM_206898.2, NM_178817.4); c.29+5G>T (NM_001285394.2).
Identifiers: ClinVar variation 423392 (VCV000423392.3), dbSNP rs1064796398, ClinGen allele CA16620985.